The following is an entry in ClinVar:

ClinVar aggregate classification (germline): Pathogenic/Likely pathogenic. Review status: criteria provided, multiple submitters, no conflicts (2 of 4 stars). 3 submissions from 3 submitters: Pathogenic (2); Likely pathogenic (1). Last evaluated 2023-12-05.

Conditions:
Microcephaly, normal intelligence and immunodeficiency (NBS). Also called: Microcephaly with normal intelligence immunodeficiency and lymphoreticular malignancies; Nonsyndromal microcephaly autosomal recessive with normal intelligence; Seemanova syndrome 2; Immunodeficiency, microcephaly with normal intelligence; SEEMANOVA SYNDROME II; Ataxia telangiectasia variant V1. Identifiers: Orphanet 647, MedGen C0398791, MONDO:0009623, OMIM 251260.
Hereditary cancer-predisposing syndrome. Also called: Neoplastic Syndromes, Hereditary; Hereditary neoplastic syndrome; Tumor predisposition; Hereditary Cancer Syndrome. Identifiers: Orphanet 140162, MedGen C0027672, MeSH D009386, MONDO:0015356.
Aplastic anemia. Identifiers: Orphanet 182040, Orphanet 88, MedGen C0002874, MONDO:0015909, OMIM 609135, HP:0001915.

Submissions (3):

Baylor Genetics
Classification: Likely pathogenic for Aplastic anemia. Last evaluated: 2023-12-05. Review status: criteria provided, single submitter. Criteria: ACMG Guidelines, 2015. Collection method: clinical testing. Allele origin: unknown.

Labcorp Genetics (formerly Invitae), Labcorp
Classification: Pathogenic for Microcephaly, normal intelligence and immunodeficiency. Last evaluated: 2023-10-10. Review status: criteria provided, single submitter. Criteria: Invitae Variant Classification Sherloc (09022015). Collection method: clinical testing. Allele origin: germline.
Comment: This sequence change creates a premature translational stop signal (p.Ile597Tyrfs*5) in the NBN gene. It is expected to result in an absent or disrupted protein product. Loss-of-function variants in NBN are known to be pathogenic (PMID: 9590180, 16415040). This variant is not present in population databases (gnomAD no frequency). This variant has not been reported in the literature in individuals affected with NBN-related conditions. ClinVar contains an entry for this variant (Variation ID: 660563). For these reasons, this variant has been classified as Pathogenic.

Ambry Genetics
Classification: Pathogenic for Hereditary cancer-predisposing syndrome. Last evaluated: 2023-01-10. Review status: criteria provided, single submitter. Criteria: Ambry Variant Classification Scheme 2023. Collection method: clinical testing. Allele origin: germline.
Comment: The c.1787_1788insC pathogenic mutation, located in coding exon 11 of the NBN gene, results from an insertion of one nucleotide at position 1787, causing a translational frameshift with a predicted alternate stop codon (p.I597Yfs*5). This variant is considered to be rare based on population cohorts in the Genome Aggregation Database (gnomAD). This alteration is expected to result in loss of function by premature protein truncation or nonsense-mediated mRNA decay. As such, this alteration is interpreted as a disease-causing mutation.

Literature cited by the submitters: PubMed 9590180 (cited by Labcorp Genetics (formerly Invitae), Labcorp); PubMed 16415040 (cited by Labcorp Genetics (formerly Invitae), Labcorp).

NM_002485.5(NBN):c.1787_1788insC (p.Ile597fs)

Gene: NBN (nibrin; minus strand). Cytogenetic location: 8q21.3.
Variant type: Insertion.
Coding change: c.1787_1788insC on transcript NM_002485.5 (MANE Select); coding-DNA positions 1787 to 1788, C inserted.
Protein change: p.Ile597fs; shifts the reading frame from isoleucine 597.
Molecular consequence: frameshift variant.
Genome position: GRCh38 VCF-style: chr8-89953301-A-AG. GRCh37 (hg19) VCF-style: chr8-90965529-A-AG.
Other names: c.1541_1542insC, p.Ile515fs (NM_001024688.3); short protein forms I597fs, I515fs.
Identifiers: ClinVar variation 660563 (VCV000660563.9), dbSNP rs1586052851, ClinGen allele CA915945769.